The following is an entry in ClinVar:

NM_001142800.2(EYS):c.9371T>C (p.Ile3124Thr)

Genes: EYS (EGF-like photoreceptor maintenance factor; minus strand), PHF3 (PHD finger protein 3; plus strand). Cytogenetic location: 6q12.
Variant type: single nucleotide variant.
Coding change: c.9371T>C on transcript NM_001142800.2 (MANE Select); coding-DNA position 9371, T replaced by C.
Protein change: p.Ile3124Thr; replaces isoleucine 3124 with threonine.
Molecular consequence: missense variant. On other transcripts: 3 prime UTR variant (5).
Genome position (GRCh38, 1-based): chr6:63,720,660, A>G on the plus strand (T>C on the coding strand, the complement: EYS is on the minus strand). VCF-style: chr6-63720660-A-G. GRCh37 (hg19) VCF-style: chr6-64430556-A-G.
Other names: c.*6952A>G (NM_001290259.2, NM_001370348.2, NM_001370349.2 and 2 more transcripts); c.9434T>C, p.Ile3145Thr (NM_001292009.2); short protein forms I3124T, I3145T.
Identifiers: ClinVar variation 964974 (VCV000964974.8), dbSNP rs770840726, ClinGen allele CA3876669.

ClinVar aggregate classification (germline): Uncertain significance. Review status: criteria provided, multiple submitters, no conflicts (2 of 4 stars). 3 submissions from 3 submitters: Uncertain significance (2). 1 of the submissions does not count toward it. Last evaluated 2024-12-16.

Conditions:
Retinitis pigmentosa 25 (RP25). Identifiers: Orphanet 791, MedGen C1864446, MONDO:0011272, OMIM 602772.

Allele frequency attached by ClinVar (database versions not stated): TOPMed 0.00001; gnomAD exomes 0.00003; ExAC 0.00006.
gnomAD v4.1: 57 of 1,539,862 alleles (0.0037%); highest among the groups gnomAD compares: Middle Eastern, 0.19%; 2 homozygotes.

Submissions (3):

Labcorp Genetics (formerly Invitae), Labcorp
Classification: Uncertain significance. Last evaluated: 2024-12-16. Review status: criteria provided, single submitter. Criteria: Invitae Variant Classification Sherloc (09022015). Collection method: clinical testing. Allele origin: germline.
Comment: This sequence change replaces isoleucine, which is neutral and non-polar, with threonine, which is neutral and polar, at codon 3124 of the EYS protein (p.Ile3124Thr). This variant is present in population databases (rs770840726, gnomAD 0.01%). This variant has not been reported in the literature in individuals affected with EYS-related conditions. ClinVar contains an entry for this variant (Variation ID: 964974). Invitae Evidence Modeling of protein sequence and biophysical properties (such as structural, functional, and spatial information, amino acid conservation, physicochemical variation, residue mobility, and thermodynamic stability) indicates that this missense variant is expected to disrupt EYS protein function with a positive predictive value of 80%. In summary, the available evidence is currently insufficient to determine the role of this variant in disease. Therefore, it has been classified as a Variant of Uncertain Significance.

Blueprint Genetics
Classification: Uncertain significance. Last evaluated: 2024-08-20. Review status: criteria provided, single submitter. Criteria: ACMG Guidelines, 2015. Collection method: clinical testing. Allele origin: germline.

Natera, Inc.
Classification: Uncertain significance for Retinitis pigmentosa type 25. Last evaluated: 2021-04-05. Review status: no assertion criteria provided. Collection method: clinical testing. Allele origin: germline. Not counted in ClinVar's aggregate classification.